The following is an entry in ClinVar:

ClinVar aggregate classification (germline): Conflicting classifications of pathogenicity. Review status: criteria provided, conflicting classifications (1 of 4 stars). 6 submissions from 6 submitters: Uncertain significance (3); Benign (1); Likely benign (1). 1 of the submissions does not count toward it. Last evaluated 2025-10-26.

Conditions:
SRP72-related disorder. Also called: SRP72-related condition.
Autosomal dominant aplasia and myelodysplasia. Also called: Bone marrow failure syndrome 1. Identifiers: Orphanet 314399, MedGen C3808553, MONDO:0013851, OMIM 614675.

Allele frequency attached by ClinVar (database versions not stated): gnomAD 0.00006; ESP Exome Variant Server 0.00008; gnomAD exomes 0.00011; ExAC 0.00012; TOPMed 0.00012.
gnomAD v4.1: 181 of 1,606,362 alleles (0.011%); highest among the groups gnomAD compares: Middle Eastern, 0.12%; no homozygotes.

Submissions (6):

Labcorp Genetics (formerly Invitae), Labcorp
Classification: Uncertain significance. Last evaluated: 2025-10-26. Review status: criteria provided, single submitter. Criteria: Invitae Variant Classification Sherloc (09022015). Collection method: clinical testing. Allele origin: germline.
Comment: This sequence change replaces valine, which is neutral and non-polar, with isoleucine, which is neutral and non-polar, at codon 45 of the SRP72 protein (p.Val45Ile). This variant is present in population databases (rs201940585, gnomAD 0.02%). This variant has not been reported in the literature in individuals affected with SRP72-related conditions. ClinVar contains an entry for this variant (Variation ID: 349118). Invitae Evidence Modeling of protein sequence and biophysical properties (such as structural, functional, and spatial information, amino acid conservation, physicochemical variation, residue mobility, and thermodynamic stability) indicates that this missense variant is not expected to disrupt SRP72 protein function with a negative predictive value of 80%. In summary, the available evidence is currently insufficient to determine the role of this variant in disease. Therefore, it has been classified as a Variant of Uncertain Significance.

Blueprint Genetics
Classification: Likely benign. Last evaluated: 2024-10-17. Review status: criteria provided, single submitter. Criteria: ACMG Guidelines, 2015. Collection method: clinical testing. Allele origin: germline.

PreventionGenetics, part of Exact Sciences
Classification: Uncertain significance for SRP72-related condition. Last evaluated: 2023-06-01. Review status: criteria provided, single submitter. Criteria: ACMG Guidelines, 2015. Collection method: clinical testing. Allele origin: germline.
Comment: The SRP72 c.133G>A variant is predicted to result in the amino acid substitution p.Val45Ile. To our knowledge, this variant has not been reported to be associated with disorders in the literature. This variant is reported in 0.018% of alleles in individuals of European (Non-Finnish) descent in gnomAD and has conflicting interpretations of pathogenicity in ClinVar ranging from benign to uncertain significance. Although we suspect that this variant may be benign, at this time, the clinical significance of this variant is uncertain due to the absence of conclusive functional and genetic evidence.

Genetic Services Laboratory, University of Chicago
Classification: Uncertain significance. Last evaluated: 2019-07-25. Review status: criteria provided, single submitter. Criteria: ACMG Guidelines, 2015. Collection method: clinical testing. Allele origin: germline. Affected: no.

Illumina Laboratory Services, Illumina
Classification: Benign for Autosomal dominant aplasia and myelodysplasia. Last evaluated: 2018-01-13. Review status: criteria provided, single submitter. Criteria: ICSL Variant Classification Criteria 13 December 2019. Collection method: clinical testing. Allele origin: germline.
Comment: This variant was observed in the ICSL laboratory as part of a predisposition screen in an ostensibly healthy population. It had not been previously curated by ICSL or reported in the Human Gene Mutation Database (HGMD: prior to June 1st, 2018), and was therefore a candidate for classification through an automated scoring system. Utilizing variant allele frequency, disease prevalence and penetrance estimates, and inheritance mode, an automated score was calculated to assess if this variant is too frequent to cause the disease. Based on the score and internal cut-off values, a variant classified as benign is not then subjected to further curation. The score for this variant resulted in a classification of benign for this disease.

Department of Pathology and Laboratory Medicine, Sinai Health System
Classification: Uncertain significance. Review status: no assertion criteria provided. Collection method: clinical testing. Allele origin: unknown. Affected: yes. Study: The Canadian Open Genetics Repository (COGR). Not counted in ClinVar's aggregate classification.
Comment: The SRP72 p.Val45Ile variant was identified in dbSNP (ID: rs201940585) and ClinVar (classified as uncertain significance by Illumina). The variant was identified in control databases in 26 of 267648 chromosomes at a frequency of 0.00009714 (Genome Aggregation Database March 6, 2019, v2.1.1). The variant was observed in the following populations: European (non-Finnish) in 21 of 117954 chromosomes (freq: 0.000178) and Latino in 5 of 34924 chromosomes (freq: 0.000143), but was not observed in the African, Ashkenazi Jewish, East Asian, European (Finnish), Other, or South Asian populations. The p.Val45 residue is conserved in mammals but not in more distantly related organisms however four out of five computational analyses (PolyPhen-2, SIFT, AlignGVGD, BLOSUM, MutationTaster) do not suggest a high likelihood of impact to the protein; this information is not predictive enough to rule out pathogenicity. The variant occurs outside of the splicing consensus sequence and three of four in silico or computational prediction software programs (SpliceSiteFinder, MaxEntScan, NNSPLICE, GeneSplicer) predict a greater than 10% difference in splicing. However, this information is not predictive enough to assume pathogenicity. The p.V45I variant was found to disrupt the interaction between the SRP68 and SRP72 proteins (Gao_2017_PMID:28369529). In summary, based on the above information the clinical significance of this variant cannot be determined with certainty at this time. This variant is classified as a variant of uncertain significance.

NM_006947.4(SRP72):c.133G>A (p.Val45Ile)

Gene: SRP72 (signal recognition particle 72; plus strand). Cytogenetic location: 4q12.
Variant type: single nucleotide variant.
Coding change: c.133G>A on transcript NM_006947.4 (MANE Select); coding-DNA position 133, G replaced by A.
Protein change: p.Val45Ile; replaces valine 45 with isoleucine.
Molecular consequence: missense variant. On other transcripts: non-coding transcript variant (1).
Genome position (GRCh38, 1-based): chr4:56,469,676, G>A. VCF-style: chr4-56469676-G-A. GRCh37 (hg19) VCF-style: chr4-57335842-G-A.
Other names: c.133G>A, p.Val45Ile (NM_001267722.2); short protein forms V45I.
Identifiers: ClinVar variation 349118 (VCV000349118.16), dbSNP rs201940585, ClinGen allele CA2930980.
Genomic context (GRCh38, chr4:56,469,676, plus strand): 5'-GGATTTAAAAATGACTTTTCCTAAAATTGTTCTCTAGTACTACAGATCAACAAAGATGAC[G>A]TAACTGCCCTGCATTGTAAAGTGGTATGCCTTATCCAGAATGGAAGTTTCAAGGAAGCTT-3'
Protein context (NP_008878.3, residues 35-55): NKILQINKDD[Val45Ile]TALHCKVVCL